The following is an entry in ClinVar:

NM_000059.4(BRCA2):c.793+3A>G

Gene: BRCA2 (BRCA2 DNA repair associated; plus strand). Cytogenetic location: 13q13.1.
Variant type: single nucleotide variant.
Coding change: c.793+3A>G on transcript NM_000059.4 (MANE Select); 3 bases into the intron after coding-DNA position 793, A replaced by G.
Molecular consequence: intron variant.
Genome position (GRCh38, 1-based): chr13:32,331,033, A>G. VCF-style: chr13-32331033-A-G. GRCh37 (hg19) VCF-style: chr13-32905170-A-G.
Identifiers: ClinVar variation 481581 (VCV000481581.11), dbSNP rs1372922164, ClinGen allele CA609085465.

ClinVar aggregate classification (germline): Uncertain significance. Review status: criteria provided, multiple submitters, no conflicts (2 of 4 stars). 3 submissions from 3 submitters: Uncertain significance (3). Last evaluated 2026-02-09.

Conditions:
Hereditary cancer-predisposing syndrome. Also called: Tumor predisposition; Hereditary Cancer Syndrome; Neoplastic Syndromes, Hereditary; Hereditary neoplastic syndrome. Identifiers: Orphanet 140162, MedGen C0027672, MeSH D009386, MONDO:0015356.
Hereditary breast ovarian cancer syndrome. Also called: Hereditary breast and/or ovarian cancer syndrome; Hereditary breast and ovarian cancer syndrome; Hereditary breast and ovarian cancer; Hereditary breast and ovarian cancer syndrome (HBOC); Breast and ovarian cancer; BRCA1- and BRCA2-Associated Hereditary Breast and Ovarian Cancer. Identifiers: Orphanet 145, MedGen C0677776, MeSH D061325, MONDO:0003582. Disease mechanism: loss of function.

Allele frequency attached by ClinVar (database versions not stated): gnomAD exomes below 0.00001.
gnomAD v4.1: 1 of 1,597,178 alleles (0.000063%); highest among the groups gnomAD compares: Non-Finnish European, 0.000086%; no homozygotes.

Submissions (3):

Ambry Genetics
Classification: Uncertain significance for Hereditary cancer-predisposing syndrome. Last evaluated: 2026-02-09. Review status: criteria provided, single submitter. Criteria: Ambry Variant Classification Scheme 2023. Collection method: clinical testing. Allele origin: germline.
Comment: The c.793+3A>G intronic variant results from an A to G substitution 3 nucleotides after coding exon 8 in the BRCA2 gene. This nucleotide position is well conserved in available vertebrate species. In silico splice site analysis predicts that this alteration will not have any significant effect on splicing. Based on the available evidence, the clinical significance of this variant remains unclear.

Color Diagnostics, LLC DBA Color Health
Classification: Uncertain significance for Hereditary cancer-predisposing syndrome. Last evaluated: 2025-12-19. Review status: criteria provided, single submitter. Criteria: ACMG Guidelines, 2015. Collection method: clinical testing. Allele origin: germline.
Comment: This variant causes an A to G nucleotide substitution at the +3 position of intron 9 of the BRCA2 gene. Computational prediction suggests that this variant may not impact RNA splicing (PMID: 30661751). To our knowledge, RNA and functional studies have not been reported for this variant. A multifactorial analysis reached a \\\\ likelihood ratio (LR) of 0.493 based on the personal and family history for 1 carrier (PMID: 31853058). This variant has been identified in 1/1597178 chromosomes in the general population by the Genome Aggregation Database (gnomAD). The available evidence is insufficient to determine the role of this variant in disease conclusively. Therefore, this variant is classified as a Variant of Uncertain Significance.

Labcorp Genetics (formerly Invitae), Labcorp
Classification: Uncertain significance for Hereditary breast ovarian cancer syndrome. Last evaluated: 2025-11-20. Review status: criteria provided, single submitter. Criteria: Invitae Variant Classification Sherloc (09022015). Collection method: clinical testing. Allele origin: germline.
Comment: This sequence change falls in intron 9 of the BRCA2 gene. It does not directly change the encoded amino acid sequence of the BRCA2 protein. It affects a nucleotide within the consensus splice site. The frequency data for this variant in the population databases is considered unreliable, as metrics indicate poor data quality at this position in the gnomAD database. This variant has not been reported in the literature in individuals affected with BRCA2-related conditions. ClinVar contains an entry for this variant (Variation ID: 481581). Variants that disrupt the consensus splice site are a relatively common cause of aberrant splicing (PMID: 17576681, 9536098). Algorithms developed to predict the effect of sequence changes on RNA splicing suggest that this variant is not likely to affect RNA splicing. In summary, the available evidence is currently insufficient to determine the role of this variant in disease. Therefore, it has been classified as a Variant of Uncertain Significance.

Literature cited by the submitters: PubMed 30661751 (cited by Color Diagnostics, LLC DBA Color Health); PubMed 31853058 (cited by Color Diagnostics, LLC DBA Color Health); PubMed 17576681 (cited by Labcorp Genetics (formerly Invitae), Labcorp); PubMed 9536098 (cited by Labcorp Genetics (formerly Invitae), Labcorp).